The following is an entry in ClinVar:

ClinVar aggregate classification (germline): Pathogenic (1 of 4 stars; one submission).

Conditions:
Ehlers-Danlos syndrome due to tenascin-X deficiency (EDSCLL1). Also called: TNX DEFICIENCY; EDS DUE TO TNX DEFICIENCY; EHLERS-DANLOS SYNDROME, CLASSIC-LIKE; Ehlers-Danlos syndrome, classic-like, 1; TNXB-Related Classical-Like Ehlers-Danlos Syndrome. Identifiers: Orphanet 230839, MedGen C1848029, MONDO:0011670, OMIM 606408.

Submission:

Myriad Genetics, Inc.
Classification: Pathogenic for Ehlers-Danlos syndrome due to tenascin-X deficiency. Last evaluated: 2025-11-24. Review status: criteria provided, single submitter. Criteria: Myriad Autosomal Dominant, Autosomal Recessive and X-Linked Classification Criteria (2023). Collection method: clinical testing. Allele origin: unknown.
Comment: NM_019105.6(TNXB):c.112dupC(R38Pfs*41) is a frameshift variant classified as pathogenic in the context of classical-like Ehlers-Danlos syndrome, TNXB-related. R38Pfs*41 has not been observed in cases with relevant disease. Relevant functional assessments of this variant are not available in the literature. R38Pfs*41 has been observed in referenced population frequency databases. In summary, NM_019105.6(TNXB):c.112dupC(R38Pfs*41) is a frameshift variant in a gene where loss of function is a known mechanism of disease and is predicted to disrupt protein function. Please note: this variant was assessed in the context of healthy population screening.

NM_001365276.2(TNXB):c.112dup (p.Arg38fs)

Gene: TNXB (tenascin XB; minus strand). Cytogenetic location: 6p21.33.
Variant type: Duplication.
Coding change: c.112dup on transcript NM_001365276.2 (MANE Select); coding-DNA position 112, one base duplicated (C; older notation c.112dupC).
Protein change: p.Arg38fs; shifts the reading frame from arginine 38.
Molecular consequence: frameshift variant.
Genome position (GRCh38, 1-based): chr6:32,098,087, G duplicated on the plus strand (C on the coding strand, the reverse complement: TNXB is on the minus strand); the first of 6 consecutive G bases (chr6:32,098,087-32,098,092); duplicating any one gives the same sequence. VCF-style (leftmost placement, unchanged base first): chr6-32098086-C-CG. GRCh37 (hg19) VCF-style: chr6-32065863-C-CG.
Other names: c.112dup, p.Arg38fs (NM_001428335.1, NM_019105.8); short protein forms R38fs.
Identifiers: ClinVar variation 5004009 (VCV005004009.1).